The following is an entry in ClinVar:

ClinVar aggregate classification (germline): Uncertain significance. Review status: criteria provided, multiple submitters, no conflicts (2 of 4 stars). 3 submissions from 3 submitters: Uncertain significance (3). Last evaluated 2025-01-07.

Conditions:
Immunodeficiency 104. Also called: Severe Combined Immune Deficiency, Autosomal Recessive, TCell -Negative, B Cell-Positive, NK Cell-Positive, IL7R-Related; IMMUNODEFICIENCY 104, SEVERE COMBINED; Severe combined immunodeficiency, autosomal recessive, T cell-negative, B cell-positive, NK cell-positive; SCID, AUTOSOMAL RECESSIVE, T CELL-NEGATIVE, B CELL-POSITIVE, NK CELL-POSITIVE. Identifiers: MedGen C5676890, MONDO:0012163, OMIM 608971.
Inborn genetic diseases. Identifiers: MedGen C0950123, MeSH D030342.

Allele frequency attached by ClinVar (database versions not stated): gnomAD 0.00007 and 0.00010; gnomAD exomes 0.00008; TOPMed 0.00008; ExAC 0.00009; 1000 Genomes Project 30x 0.00016; 1000 Genomes Project 0.00020.
gnomAD v4.1: 163 of 1,614,132 alleles (0.01%); highest among the groups gnomAD compares: Middle Eastern, 0.25%; no homozygotes.

Submissions (3):

Labcorp Genetics (formerly Invitae), Labcorp
Classification: Uncertain significance for Immunodeficiency 104. Last evaluated: 2025-01-07. Review status: criteria provided, single submitter. Criteria: Invitae Variant Classification Sherloc (09022015). Collection method: clinical testing. Allele origin: germline.
Comment: This sequence change replaces glycine, which is neutral and non-polar, with arginine, which is basic and polar, at codon 141 of the PTPRC protein (p.Gly141Arg). This variant is present in population databases (rs200531350, gnomAD 0.02%). This variant has not been reported in the literature in individuals affected with PTPRC-related conditions. ClinVar contains an entry for this variant (Variation ID: 636483). An algorithm developed to predict the effect of missense changes on protein structure and function outputs the following: PolyPhen-2: "Benign". The arginine amino acid residue is found in multiple mammalian species, which suggests that this missense change does not adversely affect protein function. In summary, the available evidence is currently insufficient to determine the role of this variant in disease. Therefore, it has been classified as a Variant of Uncertain Significance.

Blueprint Genetics
Classification: Uncertain significance. Last evaluated: 2024-06-27. Review status: criteria provided, single submitter. Criteria: ACMG Guidelines, 2015. Collection method: clinical testing. Allele origin: germline.

Ambry Genetics
Classification: Uncertain significance for Inborn genetic diseases. Last evaluated: 2021-09-27. Review status: criteria provided, single submitter. Criteria: Ambry Variant Classification Scheme 2023. Collection method: clinical testing. Allele origin: germline.

NM_002838.5(PTPRC):c.421G>C (p.Gly141Arg)

Gene: PTPRC (protein tyrosine phosphatase receptor type C; plus strand). Cytogenetic location: 1q31.3.
Variant type: single nucleotide variant.
Coding change: c.421G>C on transcript NM_002838.5 (MANE Select); coding-DNA position 421, G replaced by C.
Protein change: p.Gly141Arg; replaces glycine 141 with arginine.
Molecular consequence: missense variant. On other transcripts: intron variant (1).
Genome position (GRCh38, 1-based): chr1:198,699,686, G>C. VCF-style: chr1-198699686-G-C. GRCh37 (hg19) VCF-style: chr1-198668815-G-C.
Other names: c.415G>C (NM_002838.3); c.101-3612G>C (NM_080921.4); short protein forms G141R.
Identifiers: ClinVar variation 636483 (VCV000636483.10), dbSNP rs200531350, ClinGen allele CA1314482.